The following is an entry in ClinVar:

ClinVar aggregate classification (germline): Uncertain significance (1 of 4 stars; one submission).

Conditions:
Adams-Oliver syndrome 5 (AOS5). Identifiers: Orphanet 974, MedGen C4014970, MONDO:0014459, OMIM 616028.

Submission:

Labcorp Genetics (formerly Invitae), Labcorp
Classification: Uncertain significance for Adams-Oliver syndrome 5. Last evaluated: 2025-07-03. Review status: criteria provided, single submitter. Criteria: Invitae Variant Classification Sherloc (09022015). Collection method: clinical testing. Allele origin: germline.
Comment: This sequence change replaces arginine, which is basic and polar, with glycine, which is neutral and non-polar, at codon 1664 of the NOTCH1 protein (p.Arg1664Gly). This variant is not present in population databases (gnomAD no frequency). This variant has not been reported in the literature in individuals affected with NOTCH1-related conditions. Invitae Evidence Modeling of protein sequence and biophysical properties (such as structural, functional, and spatial information, amino acid conservation, physicochemical variation, residue mobility, and thermodynamic stability) indicates that this missense variant is not expected to disrupt NOTCH1 protein function with a negative predictive value of 95%. Algorithms developed to predict the effect of sequence changes on RNA splicing suggest that this variant may disrupt the consensus splice site. In summary, the available evidence is currently insufficient to determine the role of this variant in disease. Therefore, it has been classified as a Variant of Uncertain Significance.

NM_017617.5(NOTCH1):c.4990A>G (p.Arg1664Gly)

Gene: NOTCH1 (notch receptor 1; minus strand). Cytogenetic location: 9q34.3.
Variant type: single nucleotide variant.
Coding change: c.4990A>G on transcript NM_017617.5 (MANE Select); coding-DNA position 4990, A replaced by G.
Protein change: p.Arg1664Gly; replaces arginine 1664 with glycine.
Molecular consequence: missense variant.
Genome position (GRCh38, 1-based): chr9:136,504,701, T>C on the plus strand (A>G on the coding strand, the complement: NOTCH1 is on the minus strand). VCF-style: chr9-136504701-T-C. GRCh37 (hg19) VCF-style: chr9-139399153-T-C.
Other names: short protein forms R1664G.
Identifiers: ClinVar variation 4779059 (VCV004779059.1).